The following is an entry in ClinVar:

NM_024057.4(NUP37):c.436G>A (p.Asp146Asn)

Gene: NUP37 (nucleoporin 37; minus strand). Cytogenetic location: 12q23.2.
Variant type: single nucleotide variant.
Coding change: c.436G>A on transcript NM_024057.4 (MANE Select); coding-DNA position 436, G replaced by A.
Protein change: p.Asp146Asn; replaces aspartic acid 146 with asparagine.
Molecular consequence: missense variant.
Genome position (GRCh38, 1-based): chr12:102,099,119, C>T on the plus strand (G>A on the coding strand, the complement: NUP37 is on the minus strand). VCF-style: chr12-102099119-C-T. GRCh37 (hg19) VCF-style: chr12-102492897-C-T.
Other names: short protein forms D146N.
Identifiers: ClinVar variation 1028291 (VCV001028291.1), dbSNP rs759106967, ClinGen allele CA6747686.
Genomic context (GRCh38, chr12:102,099,119, plus strand): 5'-CATTAAAATGGCAATTTAAAAATGTGGTTATAACATAAGCAACATACCTGCAGGTGTGAT[C>T]GTCACTCACACTTGCAATTTCTTGGCCTTCTTTGGGATCAAACACCAAACCATTAATGAA-3'
Protein context (NP_076962.2, residues 136-156): EGQEIASVSD[Asp146Asn]HTCRIWNLEG

ClinVar aggregate classification (germline): Uncertain significance (1 of 4 stars; one submission).

Conditions:
Microcephaly 24, primary, autosomal recessive. Identifiers: MedGen C4748555, MONDO:0032583, OMIM 618179.

Allele frequency attached by ClinVar (database versions not stated): ExAC 0.00001; TOPMed 0.00001 and 0.00002; gnomAD exomes 0.00002.
gnomAD v4.1: 8 of 1,605,606 alleles (0.0005%); highest among the groups gnomAD compares: Admixed American, 0.01%; no homozygotes.

Submission:

Baylor Genetics
Classification: Uncertain significance for Microcephaly 24, primary, autosomal recessive. Last evaluated: 2019-12-16. Review status: criteria provided, single submitter. Criteria: ACMG Guidelines, 2015. Collection method: clinical testing. Allele origin: unknown. Affected: yes.
Comment: This variant was determined to be of uncertain significance according to ACMG Guidelines, 2015 [PMID:25741868].